The following is an entry in ClinVar:

ClinVar aggregate classification (germline): Likely benign. Review status: criteria provided, multiple submitters, no conflicts (2 of 4 stars). 2 submissions from 2 submitters: Likely benign (2). Last evaluated 2025-01-08.

Conditions:
Ehlers-Danlos syndrome, classic type, 1 (EDSCL1). Also called: Ehlers-Danlos Syndrome, Classic Type, COL5A1-Related; EDS I; Ehlers-Danlos syndrome, type 1; EHLERS-DANLOS SYNDROME, GRAVIS TYPE; EHLERS-DANLOS SYNDROME, SEVERE CLASSIC TYPE. Identifiers: MedGen C0268335, MONDO:0019567, OMIM 130000.

gnomAD v4.1: 1 of 1,296,332 alleles (0.000077%); highest among the groups gnomAD compares: South Asian, 0.0023%; no homozygotes.

Submissions (2):

Labcorp Genetics (formerly Invitae), Labcorp
Classification: Likely benign for Ehlers-Danlos syndrome, classic type, 1. Last evaluated: 2025-01-08. Review status: criteria provided, single submitter. Criteria: Invitae Variant Classification Sherloc (09022015). Collection method: clinical testing. Allele origin: germline.

GeneDx
Classification: Likely benign. Last evaluated: 2017-12-07. Review status: criteria provided, single submitter. Criteria: GeneDx Variant Classification (06012015). Collection method: clinical testing. Allele origin: germline. Affected: yes.
Comment: This variant is considered likely benign or benign based on one or more of the following criteria: it is a conservative change, it occurs at a poorly conserved position in the protein, it is predicted to be benign by multiple in silico algorithms, and/or has population frequency not consistent with disease.

NM_000093.5(COL5A1):c.42C>T (p.Arg14=)

Gene: COL5A1 (collagen type V alpha 1 chain; plus strand). Cytogenetic location: 9q34.3.
Variant type: single nucleotide variant.
Coding change: c.42C>T on transcript NM_000093.5 (MANE Select); coding-DNA position 42, C replaced by T.
Protein change: p.Arg14=; no amino-acid change (arginine 14 retained).
Molecular consequence: synonymous variant.
Genome position (GRCh38, 1-based): chr9:134,642,229, C>T. VCF-style: chr9-134642229-C-T. GRCh37 (hg19) VCF-style: chr9-137534075-C-T.
Other names: c.42C>T, p.Arg14= (NM_001278074.1).
Identifiers: ClinVar variation 513985 (VCV000513985.3), dbSNP rs1554772576, ClinGen allele CA467652605.